The following is an entry in ClinVar:

ClinVar aggregate classification (germline): Uncertain significance. Review status: criteria provided, multiple submitters, no conflicts (2 of 4 stars). 3 submissions from 3 submitters: Uncertain significance (3). Last evaluated 2025-05-01.

Conditions:
Spermatogenic failure 28. Identifiers: MedGen C4748117, MONDO:0054732, OMIM 618086.
Premature ovarian failure 15. Identifiers: MedGen C4748170, MONDO:0054862, OMIM 618096.
Fanconi anemia (FA). Also called: Fanconi's anemia. Identifiers: Orphanet 84, MedGen C0015625, MeSH D005199, MONDO:0019391.

Allele frequency attached by ClinVar (database versions not stated): gnomAD exomes below 0.00001 and 0.00003; TOPMed 0.00002; gnomAD 0.00003 and 0.00004; ExAC 0.00005; ESP Exome Variant Server 0.00008; 1000 Genomes Project 30x 0.00016; 1000 Genomes Project 0.00020.
gnomAD v4.1: 11 of 1,491,618 alleles (0.00074%); highest among the groups gnomAD compares: African/African-American, 0.0082%; no homozygotes.

Submissions (3):

Labcorp Genetics (formerly Invitae), Labcorp
Classification: Uncertain significance for Fanconi anemia. Last evaluated: 2025-05-01. Review status: criteria provided, single submitter. Criteria: Invitae Variant Classification Sherloc (09022015). Collection method: clinical testing. Allele origin: germline.
Comment: This sequence change replaces isoleucine, which is neutral and non-polar, with threonine, which is neutral and polar, at codon 458 of the FANCM protein (p.Ile458Thr). This variant is present in population databases (rs201596252, gnomAD 0.04%). This variant has not been reported in the literature in individuals affected with FANCM-related conditions. ClinVar contains an entry for this variant (Variation ID: 1023725). An algorithm developed to predict the effect of missense changes on protein structure and function (PolyPhen-2) suggests that this variant is likely to be tolerated. In summary, the available evidence is currently insufficient to determine the role of this variant in disease. Therefore, it has been classified as a Variant of Uncertain Significance.

GeneDx
Classification: Uncertain significance. Last evaluated: 2024-11-17. Review status: criteria provided, single submitter. Criteria: GeneDx Variant Classification Process June 2021. Collection method: clinical testing. Allele origin: germline. Affected: yes.
Comment: In silico analysis supports that this missense variant has a deleterious effect on protein structure/function; Has not been previously published as pathogenic or benign to our knowledge

Fulgent Genetics
Classification: Uncertain significance for Spermatogenic failure 28; Premature ovarian failure 15. Last evaluated: 2021-10-27. Review status: criteria provided, single submitter. Criteria: ACMG Guidelines, 2015. Collection method: clinical testing. Allele origin: unknown.

NM_020937.4(FANCM):c.1373T>C (p.Ile458Thr)

Gene: FANCM (FA complementation group M; plus strand). Cytogenetic location: 14q21.2.
Variant type: single nucleotide variant.
Coding change: c.1373T>C on transcript NM_020937.4 (MANE Select); coding-DNA position 1373, T replaced by C.
Protein change: p.Ile458Thr; replaces isoleucine 458 with threonine.
Molecular consequence: missense variant.
Genome position (GRCh38, 1-based): chr14:45,155,436, T>C. VCF-style: chr14-45155436-T-C. GRCh37 (hg19) VCF-style: chr14-45624639-T-C.
Other names: c.1295T>C, p.Ile432Thr (NM_001308133.2); c.1373T>C, p.Ile458Thr (NM_001308134.2); c.1373T>C (NM_020937.2); short protein forms I432T, I458T.
Identifiers: ClinVar variation 1023725 (VCV001023725.11), dbSNP rs201596252, ClinGen allele CA7169026.